The following is an entry in ClinVar:

ClinVar aggregate classification (germline): Uncertain significance (1 of 4 stars; one submission).

Allele frequency attached by ClinVar (database versions not stated): gnomAD 0.00001; ExAC 0.00002; TOPMed 0.00002; gnomAD exomes 0.00003.
gnomAD v4.1: 43 of 1,614,058 alleles (0.0027%); highest among the groups gnomAD compares: Middle Eastern, 0.016%; no homozygotes.

Submission:

Labcorp Genetics (formerly Invitae), Labcorp
Classification: Uncertain significance. Last evaluated: 2022-08-19. Review status: criteria provided, single submitter. Criteria: Invitae Variant Classification Sherloc (09022015). Collection method: clinical testing. Allele origin: germline.
Comment: In summary, the available evidence is currently insufficient to determine the role of this variant in disease. Therefore, it has been classified as a Variant of Uncertain Significance. Algorithms developed to predict the effect of missense changes on protein structure and function output the following: SIFT: "Deleterious"; PolyPhen-2: "Benign"; Align-GVGD: "Class C0". The tryptophan amino acid residue is found in multiple mammalian species, which suggests that this missense change does not adversely affect protein function. This variant has not been reported in the literature in individuals affected with KIAA0556-related conditions. This variant is present in population databases (rs767288208, gnomAD 0.002%). This sequence change replaces arginine, which is basic and polar, with tryptophan, which is neutral and slightly polar, at codon 818 of the KIAA0556 protein (p.Arg818Trp).

NM_015202.5(KATNIP):c.2452C>T (p.Arg818Trp)

Gene: KATNIP (katanin interacting protein; plus strand). Cytogenetic location: 16p12.1.
Variant type: single nucleotide variant.
Coding change: c.2452C>T on transcript NM_015202.5 (MANE Select); coding-DNA position 2452, C replaced by T.
Protein change: p.Arg818Trp; replaces arginine 818 with tryptophan.
Molecular consequence: missense variant.
Genome position (GRCh38, 1-based): chr16:27,740,749, C>T. VCF-style: chr16-27740749-C-T. GRCh37 (hg19) VCF-style: chr16-27752070-C-T.
Other names: short protein forms R818W.
Identifiers: ClinVar variation 1904508 (VCV001904508.5), dbSNP rs767288208, ClinGen allele CA7977969.